The following is an entry in ClinVar:

NM_001080467.3(MYO5B):c.2406G>A (p.Leu802=)

Gene: MYO5B (myosin VB; minus strand). Cytogenetic location: 18q21.1.
Variant type: single nucleotide variant.
Coding change: c.2406G>A on transcript NM_001080467.3 (MANE Select); coding-DNA position 2406, G replaced by A.
Protein change: p.Leu802=; no amino-acid change (leucine 802 retained).
Molecular consequence: synonymous variant.
Genome position (GRCh38, 1-based): chr18:49,906,427, C>T on the plus strand (G>A on the coding strand, the complement: MYO5B is on the minus strand). VCF-style: chr18-49906427-C-T. GRCh37 (hg19) VCF-style: chr18-47432797-C-T.
Other names: c.2406G>A (NM_001080467.2).
Identifiers: ClinVar variation 2180932 (VCV002180932.5), dbSNP rs536119141, ClinGen allele CA8961109.

ClinVar aggregate classification (germline): Likely benign. Review status: criteria provided, multiple submitters, no conflicts (2 of 4 stars). 2 submissions from 2 submitters: Likely benign (2). Last evaluated 2025-10-18.

Conditions:
MYO5B-related disorder. Also called: MYO5B-related condition.

Allele frequency attached by ClinVar (database versions not stated): gnomAD exomes below 0.00001; ExAC 0.00001; gnomAD 0.00005; TOPMed 0.00012; 1000 Genomes Project 0.00020; 1000 Genomes Project 30x 0.00031.
gnomAD v4.1: 15 of 1,614,066 alleles (0.00093%); highest among the groups gnomAD compares: Admixed American, 0.015%; no homozygotes.

Submissions (2):

Labcorp Genetics (formerly Invitae), Labcorp
Classification: Likely benign. Last evaluated: 2025-10-18. Review status: criteria provided, single submitter. Criteria: Invitae Variant Classification Sherloc (09022015). Collection method: clinical testing. Allele origin: germline.

PreventionGenetics, part of Exact Sciences
Classification: Likely benign for MYO5B-related condition. Last evaluated: 2024-12-09. Review status: criteria provided, single submitter. Criteria: ACMG Guidelines, 2015. Collection method: clinical testing. Allele origin: germline.
Comment: This variant is classified as likely benign based on ACMG/AMP sequence variant interpretation guidelines (Richards et al. 2015 PMID: 25741868, with internal and published modifications).